The following is an entry in ClinVar:

ClinVar aggregate classification (germline): Uncertain significance (1 of 4 stars; one submission).

Submission:

Labcorp Genetics (formerly Invitae), Labcorp
Classification: Uncertain significance. Last evaluated: 2026-01-28. Review status: criteria provided, single submitter. Criteria: Invitae Variant Classification Sherloc (09022015). Collection method: clinical testing. Allele origin: germline.
Comment: This variant, c.1606_1608del, results in the deletion of 1 amino acid(s) of the RELA protein (p.Ser536del), but otherwise preserves the integrity of the reading frame. This variant is present in population databases (rs766441250, gnomAD 0.02%). This variant has not been reported in the literature in individuals affected with RELA-related conditions. Experimental studies and prediction algorithms are not available or were not evaluated, and the functional significance of this variant is currently unknown. In summary, the available evidence is currently insufficient to determine the role of this variant in disease. Therefore, it has been classified as a Variant of Uncertain Significance.

NM_021975.4(RELA):c.1603TCC[1] (p.Ser536del)

Gene: RELA (RELA proto-oncogene, NF-kB subunit; minus strand). Cytogenetic location: 11q13.1.
Variant type: Microsatellite.
Coding change: c.1603TCC[1] on transcript NM_021975.4 (MANE Select); one copy of the 3-base unit TCC starting at c.1603; the reference has two copies in a row; one copy, 3 bases deleted.
Protein change: p.Ser536del; deletes serine 536.
Molecular consequence: inframe deletion. On other transcripts: inframe indel (7).
Genome position (GRCh38, 1-based): chr11:65,654,426-65,654,428, GGA deleted on the plus strand (TCC on the coding strand, the reverse complement: RELA is on the minus strand); deleting any 3 consecutive bases within chr11:65,654,426-65,654,432 gives the same sequence; the position shown is the placement nearest the transcript's 3' end. VCF-style (leftmost placement, unchanged base first): chr11-65654425-TGGA-T. GRCh37 (hg19) VCF-style: chr11-65421896-TGGA-T.
Other names: c.1594TCC[1], p.Ser533del (NM_001145138.2); c.1396TCC[1], p.Ser467del (NM_001243984.2); c.1294TCC[1], p.Ser433del (NM_001243985.2); c.1635_1637CTC[1], p.Ser547del (NM_001404657.1); c.1575_1577CTC[1], p.Ser527del (NM_001404658.1); c.1389_1391CTC[1], p.Ser465del (NM_001404659.1); c.1284_1286CTC[1], p.Ser430del (NM_001404660.1); c.1221_1223CTC[1], p.Ser409del (NM_001404661.1); and 1 more; short protein forms S409del, S505del, S547del, S467del, S430del, S433del, S465del, S527del.
Identifiers: ClinVar variation 2071606 (VCV002071606.4), dbSNP rs766441250, ClinGen allele CA6106569.